The following is an entry in ClinVar:

ClinVar aggregate classification (germline): Likely pathogenic (1 of 4 stars; one submission).

Conditions:
Autosomal recessive nonsyndromic hearing loss 124. Also called: DEAFNESS, AUTOSOMAL RECESSIVE 124. Identifiers: MedGen C5935612, MONDO:0968981, OMIM 620794.

Submission:

First Genomix Gene Laboratory, Genetic Diagnostics Department
Classification: Likely pathogenic for Autosomal recessive nonsyndromic hearing loss 124. Last evaluated: 2025-08-21. Review status: criteria provided, single submitter. Criteria: ACMG Guidelines, 2015. Collection method: clinical testing. Allele origin: germline. Inheritance: Autosomal recessive inheritance. Affected: no. Observed: 1 variant allele.

NM_177531.6(PKHD1L1):c.11822del (p.Ser3941fs)

Gene: PKHD1L1 (PKHD1 like 1; plus strand). Cytogenetic location: 8q23.2.
Variant type: Deletion.
Coding change: c.11822del on transcript NM_177531.6 (MANE Select); coding-DNA position 11822, one base deleted (C; older notation c.11822delC).
Protein change: p.Ser3941fs; shifts the reading frame from serine 3941.
Molecular consequence: frameshift variant.
Genome position (GRCh38, 1-based): chr8:109,518,299, C deleted. VCF-style (leftmost placement, unchanged base first): chr8-109518298-TC-T. GRCh37 (hg19) VCF-style: chr8-110530527-TC-T.
Other names: c.11822delC (NM_177531.6); short protein forms S3941fs.
Identifiers: ClinVar variation 4850470 (VCV004850470.1).